The following is an entry in ClinVar:

ClinVar aggregate classification (germline): Uncertain significance (1 of 4 stars; one submission).

Allele frequency attached by ClinVar (database versions not stated): gnomAD exomes below 0.00001.
gnomAD v4.1: 1 of 1,612,022 alleles (0.000062%); highest among the groups gnomAD compares: Non-Finnish European, 0.000085%; no homozygotes.

Submission:

Ambry Genetics
Classification: Uncertain significance. Last evaluated: 2023-05-15. Review status: criteria provided, single submitter. Criteria: Ambry Variant Classification Scheme 2023. Collection method: clinical testing. Allele origin: germline.
Comment: The p.S567P variant (also known as c.1699T>C), located in coding exon 13 of the NPAT gene, results from a T to C substitution at nucleotide position 1699. The serine at codon 567 is replaced by proline, an amino acid with similar properties. This amino acid position is conserved. In addition, this alteration is predicted to be tolerated by in silico analysis. Since supporting evidence is limited at this time, the clinical significance of this alteration remains unclear.

NM_002519.3(NPAT):c.1699T>C (p.Ser567Pro)

Gene: NPAT (nuclear protein, coactivator of histone transcription; minus strand). Cytogenetic location: 11q22.3.
Variant type: single nucleotide variant.
Coding change: c.1699T>C on transcript NM_002519.3 (MANE Select); coding-DNA position 1699, T replaced by C.
Protein change: p.Ser567Pro; replaces serine 567 with proline.
Molecular consequence: missense variant.
Genome position (GRCh38, 1-based): chr11:108,173,285, A>G on the plus strand (T>C on the coding strand, the complement: NPAT is on the minus strand). VCF-style: chr11-108173285-A-G. GRCh37 (hg19) VCF-style: chr11-108044012-A-G.
Other names: c.1699T>C, p.Ser567Pro (NM_001321307.1); short protein forms S567P.
Identifiers: ClinVar variation 2568004 (VCV002568004.2), dbSNP rs1327298655, ClinGen allele CA382514556.